The following is an entry in ClinVar:

ClinVar aggregate classification (germline): Uncertain significance. Review status: criteria provided, multiple submitters, no conflicts (2 of 4 stars). 2 submissions from 2 submitters: Uncertain significance (2). Last evaluated 2025-02-07.

Conditions:
Inborn genetic diseases. Identifiers: MedGen C0950123, MeSH D030342.

Allele frequency attached by ClinVar (database versions not stated): gnomAD 0.00001; TOPMed 0.00002; gnomAD exomes 0.00003; ExAC 0.00005; ESP Exome Variant Server 0.00008.
gnomAD v4.1: 49 of 1,585,176 alleles (0.0031%); highest among the groups gnomAD compares: Non-Finnish European, 0.0037%; no homozygotes.

Submissions (2):

Ambry Genetics
Classification: Uncertain significance for Inborn genetic diseases. Last evaluated: 2025-02-07. Review status: criteria provided, single submitter. Criteria: Ambry Variant Classification Scheme 2023. Collection method: clinical testing. Allele origin: germline.

Labcorp Genetics (formerly Invitae), Labcorp
Classification: Uncertain significance. Last evaluated: 2024-11-11. Review status: criteria provided, single submitter. Criteria: Invitae Variant Classification Sherloc (09022015). Collection method: clinical testing. Allele origin: germline.
Comment: This sequence change replaces glutamic acid, which is acidic and polar, with lysine, which is basic and polar, at codon 992 of the KIAA1549 protein (p.Glu992Lys). The frequency data for this variant in the population databases is considered unreliable, as metrics indicate poor data quality at this position in the gnomAD database. This variant has not been reported in the literature in individuals affected with KIAA1549-related conditions. ClinVar contains an entry for this variant (Variation ID: 1486137). An algorithm developed to predict the effect of missense changes on protein structure and function (PolyPhen-2) suggests that this variant is likely to be disruptive. In summary, the available evidence is currently insufficient to determine the role of this variant in disease. Therefore, it has been classified as a Variant of Uncertain Significance.

NM_001164665.2(KIAA1549):c.2974G>A (p.Glu992Lys)

Gene: KIAA1549 (KIAA1549; minus strand). Cytogenetic location: 7q34.
Variant type: single nucleotide variant.
Coding change: c.2974G>A on transcript NM_001164665.2 (MANE Select); coding-DNA position 2974, G replaced by A.
Protein change: p.Glu992Lys; replaces glutamic acid 992 with lysine.
Molecular consequence: missense variant.
Genome position (GRCh38, 1-based): chr7:138,911,317, C>T on the plus strand (G>A on the coding strand, the complement: KIAA1549 is on the minus strand). VCF-style: chr7-138911317-C-T. GRCh37 (hg19) VCF-style: chr7-138596063-C-T.
Other names: c.2974G>A (NM_001164665.1); c.2974G>A, p.Glu992Lys (NM_020910.3); short protein forms E992K.
Identifiers: ClinVar variation 1486137 (VCV001486137.7), dbSNP rs377080144, ClinGen allele CA4506346.